The following is an entry in ClinVar:

ClinVar aggregate classification (germline): Uncertain significance (1 of 4 stars; one submission).

Conditions:
Hereditary cancer-predisposing syndrome. Also called: Tumor predisposition; Hereditary Cancer Syndrome; Neoplastic Syndromes, Hereditary; Hereditary neoplastic syndrome. Identifiers: Orphanet 140162, MedGen C0027672, MeSH D009386, MONDO:0015356.

Submission:

Ambry Genetics
Classification: Uncertain significance for Hereditary cancer-predisposing syndrome. Last evaluated: 2024-12-02. Review status: criteria provided, single submitter. Criteria: Ambry Variant Classification Scheme 2023. Collection method: clinical testing. Allele origin: germline.
Comment: The c.457+5G>A intronic variant results from a G to A substitution 5 nucleotides after coding exon 2 in the CDKN2A gene. Of note, this alteration is also known as c.500+5G>A in the p14(ARF) isoform. This nucleotide position is highly conserved in available vertebrate species. In silico splice site analysis predicts that this alteration will weaken the native splice donor site. Based on the available evidence, the clinical significance of this variant remains unclear.

NM_000077.5(CDKN2A):c.457+5G>A

Gene: CDKN2A (cyclin dependent kinase inhibitor 2A; minus strand). Cytogenetic location: 9p21.3.
Variant type: single nucleotide variant.
Coding change: c.457+5G>A on transcript NM_000077.5 (MANE Select); 5 bases into the intron after coding-DNA position 457, G replaced by A.
Molecular consequence: intron variant.
Genome position (GRCh38, 1-based): chr9:21,970,897, C>T on the plus strand (G>A on the coding strand, the complement: CDKN2A is on the minus strand). VCF-style: chr9-21970897-C-T. GRCh37 (hg19) VCF-style: chr9-21970896-C-T.
Other names: c.304+5G>A (NM_001363763.2); c.*101+5G>A (NM_058195.4); c.457+5G>A (NM_001195132.2); c.*380+5G>A (NM_058197.5).
Identifiers: ClinVar variation 3489679 (VCV003489679.1).
Genomic context (GRCh38, chr9:21,970,897, plus strand): 5'-GGAAAATGAATGCTCTGAGCTTTGGAAGCTCTCAGGGTACAAATTCTCAGATCATCAGTC[C>T]TCACCTGAGGGACCTTCCGCGGCATCTATGCGGGCATGGTTACTGCCTCTGGTGCCCCCC-3'